The following is an entry in ClinVar:

ClinVar aggregate classification (germline): Likely benign (0 of 4 stars; one submission).

Conditions:
KMT2A-related disorder. Also called: KMT2A-related condition.

Allele frequency attached by ClinVar (database versions not stated): gnomAD exomes 0.00001.
gnomAD v4.1: 3 of 1,614,162 alleles (0.00019%); highest among the groups gnomAD compares: South Asian, 0.0011%; no homozygotes.

Submission:

PreventionGenetics, part of Exact Sciences
Classification: Likely benign for KMT2A-related condition. Last evaluated: 2023-10-04. Review status: no assertion criteria provided. Collection method: clinical testing. Allele origin: germline.
Comment: This variant is classified as likely benign based on ACMG/AMP sequence variant interpretation guidelines (Richards et al. 2015 PMID: 25741868, with internal and published modifications).

NM_001197104.2(KMT2A):c.7767C>T (p.Asn2589=)

Gene: KMT2A (lysine methyltransferase 2A; plus strand). Cytogenetic location: 11q23.3.
Variant type: single nucleotide variant.
Coding change: c.7767C>T on transcript NM_001197104.2 (MANE Select); coding-DNA position 7767, C replaced by T.
Protein change: p.Asn2589=; no amino-acid change (asparagine 2589 retained).
Molecular consequence: synonymous variant.
Genome position (GRCh38, 1-based): chr11:118,503,659, C>T. VCF-style: chr11-118503659-C-T. GRCh37 (hg19) VCF-style: chr11-118374374-C-T.
Other names: c.7857C>T, p.Asn2619= (NM_001412597.1); c.7758C>T, p.Asn2586= (NM_005933.4).
Identifiers: ClinVar variation 3050198 (VCV003050198.2), dbSNP rs1950537501, ClinGen allele CA477359492.
Genomic context (GRCh38, chr11:118,503,659, plus strand): 5'-AGATGGTCCAGTGGCCCAACCAAGCCCCAATAATACCTCATGCCAGGATTCTCAAAGTAA[C>T]AACTATCAGAATCTTCCAGTACAGGACAGAAACCTAATGCTTCCAGATGGCCCCAAACCT-3'
Protein context (NP_001184033.1, residues 2579-2599): NNTSCQDSQS[Asn2589=]NYQNLPVQDR